The following is an entry in ClinVar:

NM_001201550.3(CFHR4):c.476C>T (p.Ala159Val)

Gene: CFHR4 (complement factor H related 4; plus strand). Cytogenetic location: 1q31.3.
Variant type: single nucleotide variant.
Coding change: c.476C>T on transcript NM_001201550.3 (MANE Select); coding-DNA position 476, C replaced by T.
Protein change: p.Ala159Val; replaces alanine 159 with valine.
Molecular consequence: missense variant. On other transcripts: intron variant (1).
Genome position (GRCh38, 1-based): chr1:196,906,897, C>T. VCF-style: chr1-196906897-C-T. GRCh37 (hg19) VCF-style: chr1-196876027-C-T.
Other names: p.Ala158Val; c.473C>T, p.Ala158Val (NM_001201551.2); c.256+4282C>T (NM_006684.5); c.476C>T (NM_001201550.2); short protein forms A158V, A159V.
Identifiers: ClinVar variation 2682700 (VCV002682700.2), dbSNP rs907949711, ClinGen allele CA35853451.

ClinVar aggregate classification (germline): Uncertain significance. Review status: criteria provided, multiple submitters, no conflicts (2 of 4 stars). 2 submissions from 2 submitters: Uncertain significance (2). Last evaluated 2025-02-12.

Allele frequency attached by ClinVar (database versions not stated): gnomAD exomes below 0.00001; TOPMed below 0.00001; gnomAD 0.00001.
gnomAD v4.1: 3 of 1,605,380 alleles (0.00019%); highest among the groups gnomAD compares: African/African-American, 0.0027%; no homozygotes.

Submissions (2):

Ambry Genetics
Classification: Uncertain significance. Last evaluated: 2025-02-12. Review status: criteria provided, single submitter. Criteria: Ambry Variant Classification Scheme 2023. Collection method: clinical testing. Allele origin: germline.

Mayo Clinic Laboratories, Mayo Clinic
Classification: Uncertain significance. Last evaluated: 2022-11-07. Review status: criteria provided, single submitter. Criteria: ACMG Guidelines, 2015. Collection method: clinical testing. Allele origin: germline. Observed: 1 variant allele.
Comment: BP4